The following is an entry in ClinVar:

ClinVar aggregate classification (germline): Uncertain significance. Review status: criteria provided, multiple submitters, no conflicts (2 of 4 stars). 2 submissions from 2 submitters: Uncertain significance (2). Last evaluated 2025-03-16.

Conditions:
Hereditary cancer-predisposing syndrome. Also called: Tumor predisposition; Hereditary neoplastic syndrome; Neoplastic Syndromes, Hereditary; Hereditary Cancer Syndrome. Identifiers: Orphanet 140162, MedGen C0027672, MeSH D009386, MONDO:0015356.
Breast-ovarian cancer, familial, susceptibility to, 4. Identifiers: Orphanet 145, MedGen C3280345, MONDO:0013669, OMIM 614291.

Allele frequency attached by ClinVar (database versions not stated): TOPMed below 0.00001; gnomAD 0.00001.
gnomAD v4.1: 1 of 1,613,978 alleles (0.000062%); highest among the groups gnomAD compares: Non-Finnish European, 0.000085%; no homozygotes.

Submissions (2):

Labcorp Genetics (formerly Invitae), Labcorp
Classification: Uncertain significance for Breast-ovarian cancer, familial, susceptibility to, 4. Last evaluated: 2025-03-16. Review status: criteria provided, single submitter. Criteria: Invitae Variant Classification Sherloc (09022015). Collection method: clinical testing. Allele origin: germline.
Comment: This sequence change replaces glutamine, which is neutral and polar, with proline, which is neutral and non-polar, at codon 129 of the RAD51D protein (p.Gln129Pro). This variant is not present in population databases (gnomAD no frequency). This variant has not been reported in the literature in individuals affected with RAD51D-related conditions. ClinVar contains an entry for this variant (Variation ID: 959777). Invitae Evidence Modeling of protein sequence and biophysical properties (such as structural, functional, and spatial information, amino acid conservation, physicochemical variation, residue mobility, and thermodynamic stability) indicates that this missense variant is not expected to disrupt RAD51D protein function with a negative predictive value of 80%. In summary, the available evidence is currently insufficient to determine the role of this variant in disease. Therefore, it has been classified as a Variant of Uncertain Significance.

Ambry Genetics
Classification: Uncertain significance for Hereditary cancer-predisposing syndrome. Last evaluated: 2015-10-19. Review status: criteria provided, single submitter. Criteria: Ambry Variant Classification Scheme 2023. Collection method: clinical testing. Allele origin: germline.
Comment: The p.Q129P variant (also known as c.386A>C), located in coding exon 5 of the RAD51D gene, results from an A to C substitution at nucleotide position 386. The glutamine at codon 129 is replaced by proline, an amino acid with similar properties. This variant was not reported in population based cohorts in the following databases: Database of Single Nucleotide Polymorphisms (dbSNP), NHLBI Exome Sequencing Project (ESP), and 1000 Genomes Project. In the ESP, this variant was not observed in 6503 samples (13006 alleles) with coverage at this position. To date, this alteration has been detected with an allele frequency of approximately 0.002% (greater than 53000 alleles tested) in our clinical cohort.This amino acid position is not well conserved in available vertebrate species. In addition, this alteration is predicted to be tolerated by in silico analysis. Since supporting evidence is limited at this time, the clinical significance of p.Q129P remains unclear.

NM_002878.4(RAD51D):c.386A>C (p.Gln129Pro)

Genes: RAD51L3-RFFL (RAD51L3-RFFL readthrough; minus strand), RAD51D (RAD51 paralog D; minus strand). Cytogenetic location: 17q12.
Variant type: single nucleotide variant.
Coding change: c.386A>C on transcript NM_002878.4 (MANE Select); coding-DNA position 386, A replaced by C.
Protein change: p.Gln129Pro; replaces glutamine 129 with proline.
Molecular consequence: missense variant. On other transcripts: intron variant (1), non-coding transcript variant (1).
Genome position (GRCh38, 1-based): chr17:35,107,082, T>G on the plus strand (A>C on the coding strand, the complement: RAD51D is on the minus strand). VCF-style: chr17-35107082-T-G. GRCh37 (hg19) VCF-style: chr17-33434101-T-G.
Other names: c.145-601A>C (NM_133629.3); c.446A>C, p.Gln149Pro (NM_001142571.2); short protein forms Q149P, Q129P.
Identifiers: ClinVar variation 959777 (VCV000959777.9), dbSNP rs1165240216, ClinGen allele CA399089331.